The following is an entry in ClinVar:

ClinVar aggregate classification (germline): Uncertain significance (1 of 4 stars; one submission).

Allele frequency attached by ClinVar (database versions not stated): TOPMed below 0.00001.

Submission:

Labcorp Genetics (formerly Invitae), Labcorp
Classification: Uncertain significance. Last evaluated: 2023-11-18. Review status: criteria provided, single submitter. Criteria: Invitae Variant Classification Sherloc (09022015). Collection method: clinical testing. Allele origin: germline.
Comment: This sequence change replaces glutamic acid, which is acidic and polar, with glutamine, which is neutral and polar, at codon 929 of the CACNA1E protein (p.Glu929Gln). This variant is not present in population databases (gnomAD no frequency). This variant has not been reported in the literature in individuals affected with CACNA1E-related conditions. Advanced modeling of protein sequence and biophysical properties (such as structural, functional, and spatial information, amino acid conservation, physicochemical variation, residue mobility, and thermodynamic stability) has been performed at Invitae for this missense variant, however the output from this modeling did not meet the statistical confidence thresholds required to predict the impact of this variant on CACNA1E protein function. In summary, the available evidence is currently insufficient to determine the role of this variant in disease. Therefore, it has been classified as a Variant of Uncertain Significance.

NM_001205293.3(CACNA1E):c.2785G>C (p.Glu929Gln)

Gene: CACNA1E (calcium voltage-gated channel subunit alpha1 E; plus strand). Cytogenetic location: 1q25.3.
Variant type: single nucleotide variant.
Coding change: c.2785G>C on transcript NM_001205293.3 (MANE Select); coding-DNA position 2785, G replaced by C.
Protein change: p.Glu929Gln; replaces glutamic acid 929 with glutamine.
Molecular consequence: missense variant.
Genome position (GRCh38, 1-based): chr1:181,732,871, G>C. VCF-style: chr1-181732871-G-C. GRCh37 (hg19) VCF-style: chr1-181702007-G-C.
Other names: c.2785G>C, p.Glu929Gln (NM_000721.4); c.2728G>C, p.Glu910Gln (NM_001205294.2); short protein forms E910Q, E929Q.
Identifiers: ClinVar variation 2788996 (VCV002788996.3), dbSNP rs1655645992, ClinGen allele CA343618956.
Genomic context (GRCh38, chr1:181,732,871, plus strand): 5'-GAGGACCGGGCCAGGCACAGGCAGAGCCAACGGCGCAGCCGGCATCGCCGCGTCAGGACA[G>C]AAGGCAAGGAGTCCTCTTCAGCCTCCCGGAGCAGGTCTGCCAGCCAGGAACGCAGTCTGG-3'
Protein context (NP_001192222.1, residues 919-939): RRSRHRRVRT[Glu929Gln]GKESSSASRS